The following is an entry in ClinVar:

ClinVar aggregate classification (germline): Conflicting classifications of pathogenicity. Review status: criteria provided, conflicting classifications (1 of 4 stars). 2 submissions from 2 submitters: Uncertain significance (1); Likely benign (1). Last evaluated 2025-09-20.

Conditions:
Hereditary cancer-predisposing syndrome. Also called: Neoplastic Syndromes, Hereditary; Hereditary neoplastic syndrome; Tumor predisposition; Hereditary Cancer Syndrome. Identifiers: Orphanet 140162, MedGen C0027672, MeSH D009386, MONDO:0015356.
Gorlin syndrome. Also called: Nevoid Basal Cell Carcinoma Syndrome; Basal cell nevus syndrome. Identifiers: Orphanet 377, MedGen C0004779, MONDO:0007187.

Allele frequency attached by ClinVar (database versions not stated): gnomAD exomes below 0.00001; ExAC 0.00001.
gnomAD v4.1: 1 of 1,613,130 alleles (0.000062%); highest among the groups gnomAD compares: East Asian, 0.0022%; no homozygotes.

Submissions (2):

Labcorp Genetics (formerly Invitae), Labcorp
Classification: Likely benign for Gorlin syndrome. Last evaluated: 2025-09-20. Review status: criteria provided, single submitter. Criteria: Invitae Variant Classification Sherloc (09022015). Collection method: clinical testing. Allele origin: germline.

Ambry Genetics
Classification: Uncertain significance for Hereditary cancer-predisposing syndrome. Last evaluated: 2025-02-25. Review status: criteria provided, single submitter. Criteria: Ambry Variant Classification Scheme 2023. Collection method: clinical testing. Allele origin: germline.
Comment: The c.1504-5T>C intronic variant results from a T to C substitution 5 nucleotides upstream from coding exon 11 in the PTCH1 gene. This nucleotide position is not well conserved in available vertebrate species. In silico splice site analysis predicts that this alteration will not have any significant effect on splicing. Based on the available evidence, the clinical significance of this variant remains unclear.

NM_000264.5(PTCH1):c.1504-5T>C

Gene: PTCH1 (patched 1; minus strand). Cytogenetic location: 9q22.32.
Variant type: single nucleotide variant.
Coding change: c.1504-5T>C on transcript NM_000264.5 (MANE Select); 5 bases into the intron before coding-DNA position 1504, T replaced by C.
Molecular consequence: intron variant.
Genome position (GRCh38, 1-based): chr9:95,476,862, A>G on the plus strand (T>C on the coding strand, the complement: PTCH1 is on the minus strand). VCF-style: chr9-95476862-A-G. GRCh37 (hg19) VCF-style: chr9-98239144-A-G.
Other names: c.1501-5T>C (NM_001083603.3); c.1306-5T>C (NM_001083602.3); c.1348-5T>C (NM_001354918.2); c.1051-5T>C (NM_001083605.3, NM_001083604.3, NM_001083606.3 and 1 more transcripts); c.1504-5T>C (NM_000264.3).
Identifiers: ClinVar variation 1934978 (VCV001934978.6), dbSNP rs771796683, ClinGen allele CA5138628.